The following is an entry in ClinVar:

NM_001010892.3(RSPH4A):c.922-11T>G

Gene: RSPH4A (radial spoke head component 4A; plus strand). Cytogenetic location: 6q22.1.
Variant type: single nucleotide variant.
Coding change: c.922-11T>G on transcript NM_001010892.3 (MANE Select); 11 bases into the intron before coding-DNA position 922, T replaced by G.
Molecular consequence: intron variant.
Genome position (GRCh38, 1-based): chr6:116,627,618, T>G. VCF-style: chr6-116627618-T-G. GRCh37 (hg19) VCF-style: chr6-116948781-T-G.
Other names: c.922-11T>G (NM_001161664.2).
Identifiers: ClinVar variation 1883788 (VCV001883788.5), dbSNP rs758250404, ClinGen allele CA3970867.

ClinVar aggregate classification (germline): Uncertain significance (1 of 4 stars; one submission).

Conditions:
Primary ciliary dyskinesia. Also called: Ciliary dyskinesia. Identifiers: Orphanet 244, MedGen C0008780, MONDO:0016575, HP:0012265.

Allele frequency attached by ClinVar (database versions not stated): TOPMed below 0.00001; gnomAD 0.00001; ExAC 0.00002; gnomAD exomes 0.00002.
gnomAD v4.1: 34 of 1,605,572 alleles (0.0021%); highest among the groups gnomAD compares: Non-Finnish European, 0.0029%; no homozygotes.

Submission:

Labcorp Genetics (formerly Invitae), Labcorp
Classification: Uncertain significance for Primary ciliary dyskinesia. Last evaluated: 2022-09-07. Review status: criteria provided, single submitter. Criteria: Invitae Variant Classification Sherloc (09022015). Collection method: clinical testing. Allele origin: germline.
Comment: This variant has not been reported in the literature in individuals affected with RSPH4A-related conditions. This variant is present in population databases (rs758250404, gnomAD 0.004%). This sequence change falls in intron 2 of the RSPH4A gene. It does not directly change the encoded amino acid sequence of the RSPH4A protein. In summary, the available evidence is currently insufficient to determine the role of this variant in disease. Therefore, it has been classified as a Variant of Uncertain Significance. Algorithms developed to predict the effect of sequence changes on RNA splicing suggest that this variant may disrupt the consensus splice site.